The following is an entry in ClinVar:

ClinVar aggregate classification (germline): Uncertain significance. Review status: criteria provided, multiple submitters, no conflicts (2 of 4 stars). 8 submissions from 5 submitters: Uncertain significance (8). Last evaluated 2025-07-21.

Conditions:
Malignant hyperthermia, susceptibility to, 5 (MHS5). Also called: CACNA1S-Related Malignant Hyperthermia Susceptibility. Identifiers: Orphanet 423, MedGen C1866077, MONDO:0011163, OMIM 601887.
Hypokalemic periodic paralysis, type 1. Also called: HypoPP; Hypokalemic Periodic Paralysis Type 1 (AD). Identifiers: Orphanet 681, MedGen C3714580, MONDO:0042979, OMIM 170400.
Congenital myopathy 18. Also called: Myopathy, congenital, due to dihydropyridine receptor defect; DIHYDROPYRIDINE RECEPTOR CONGENITAL MYOPATHY; DHPR CONGENITAL MYOPATHY. Identifiers: MedGen C5830283, MONDO:0859514, OMIM 620246.
Thyrotoxic periodic paralysis, susceptibility to, 1 (TTPP1). Identifiers: Orphanet 79102, MedGen C2749982, MONDO:0008570, OMIM 188580.

Allele frequency attached by ClinVar (database versions not stated): gnomAD exomes 0.00001; ExAC 0.00002; TOPMed 0.00003; gnomAD 0.00004 and 0.00005.
gnomAD v4.1: 44 of 1,607,586 alleles (0.0027%); highest among the groups gnomAD compares: Non-Finnish European, 0.0037%; no homozygotes.

Submissions (8):

Color Diagnostics, LLC DBA Color Health
Classification: Uncertain significance for Malignant hyperthermia, susceptibility to, 5. Last evaluated: 2025-07-21. Review status: criteria provided, single submitter. Criteria: ACMG Guidelines, 2015. Collection method: clinical testing. Allele origin: germline.
Comment: This variant causes a G to A nucleotide substitution at the +4 position of intron 37 of the CACNA1S gene. To our knowledge, RNA studies have not been reported for this variant. This variant has not been reported in individuals affected with CACNA1S-related disorders in the literature. This variant has been identified in 2/251354 chromosomes in the general population by the Genome Aggregation Database (gnomAD). The available evidence is insufficient to determine the role of this variant in disease conclusively. Therefore, this variant is classified as a Variant of Uncertain Significance.

Labcorp Genetics (formerly Invitae), Labcorp
Classification: Uncertain significance for Hypokalemic periodic paralysis, type 1; Malignant hyperthermia, susceptibility to, 5. Last evaluated: 2024-09-18. Review status: criteria provided, single submitter. Criteria: Invitae Variant Classification Sherloc (09022015). Collection method: clinical testing. Allele origin: germline.
Comment: This sequence change falls in intron 37 of the CACNA1S gene. It does not directly change the encoded amino acid sequence of the CACNA1S protein. It affects a nucleotide within the consensus splice site. This variant is present in population databases (rs776190353, gnomAD 0.0009%). This variant has not been reported in the literature in individuals affected with CACNA1S-related conditions. ClinVar contains an entry for this variant (Variation ID: 446962). Variants that disrupt the consensus splice site are a relatively common cause of aberrant splicing (PMID: 17576681, 9536098). Algorithms developed to predict the effect of sequence changes on RNA splicing suggest that this variant is not likely to affect RNA splicing. In summary, the available evidence is currently insufficient to determine the role of this variant in disease. Therefore, it has been classified as a Variant of Uncertain Significance.

Genome-Nilou Lab
Classification: Uncertain significance for Malignant hyperthermia, susceptibility to, 5. Last evaluated: 2023-04-11. Review status: criteria provided, single submitter. Criteria: ACMG Guidelines, 2015. Collection method: clinical testing. Allele origin: germline. Affected: no.

Genome-Nilou Lab
Classification: Uncertain significance for Thyrotoxic periodic paralysis, susceptibility to, 1. Last evaluated: 2023-04-11. Review status: criteria provided, single submitter. Criteria: ACMG Guidelines, 2015. Collection method: clinical testing. Allele origin: germline. Affected: no.

Genome-Nilou Lab
Classification: Uncertain significance for Congenital myopathy 18. Last evaluated: 2023-04-11. Review status: criteria provided, single submitter. Criteria: ACMG Guidelines, 2015. Collection method: clinical testing. Allele origin: germline. Affected: no.

Genome-Nilou Lab
Classification: Uncertain significance for Hypokalemic periodic paralysis, type 1. Last evaluated: 2023-04-11. Review status: criteria provided, single submitter. Criteria: ACMG Guidelines, 2015. Collection method: clinical testing. Allele origin: germline. Affected: no.

Fulgent Genetics
Classification: Uncertain significance for Hypokalemic periodic paralysis, type 1; Thyrotoxic periodic paralysis, susceptibility to, 1; Malignant hyperthermia, susceptibility to, 5. Last evaluated: 2021-07-15. Review status: criteria provided, single submitter. Criteria: ACMG Guidelines, 2015. Collection method: clinical testing. Allele origin: unknown.

Athena Diagnostics
Classification: Uncertain significance. Last evaluated: 2017-07-10. Review status: criteria provided, single submitter. Criteria: Athena Diagnostics Criteria. Collection method: clinical testing. Allele origin: germline.

Literature cited by the submitters: PubMed 17576681 (cited by Labcorp Genetics (formerly Invitae), Labcorp); PubMed 9536098 (cited by Labcorp Genetics (formerly Invitae), Labcorp).

NM_000069.3(CACNA1S):c.4543+4G>A

Gene: CACNA1S (calcium voltage-gated channel subunit alpha1 S; minus strand). Cytogenetic location: 1q32.1.
Variant type: single nucleotide variant.
Coding change: c.4543+4G>A on transcript NM_000069.3 (MANE Select); 4 bases into the intron after coding-DNA position 4543, G replaced by A.
Molecular consequence: intron variant.
Genome position (GRCh38, 1-based): chr1:201,047,521, C>T on the plus strand (G>A on the coding strand, the complement: CACNA1S is on the minus strand). VCF-style: chr1-201047521-C-T. GRCh37 (hg19) VCF-style: chr1-201016649-C-T.
Identifiers: ClinVar variation 446962 (VCV000446962.9), dbSNP rs776190353, ClinGen allele CA083430.
Genomic context (GRCh38, chr1:201,047,521, plus strand): 5'-GAGAAGCTCCCCACTCCCATTCCTTGGCTGCTTCTGGACTCTGGTCCCCCAAAGTAGCAC[C>T]TACCTCCTATTGGAGGGATGACCTGGTCCAAGAGCTTCATGCTGGTTCTCTTCCAGATCT-3'